The following is an entry in ClinVar:

ClinVar aggregate classification (germline): Uncertain significance (1 of 4 stars; one submission).

Submission:

GeneDx
Classification: Uncertain significance. Last evaluated: 2023-04-12. Review status: criteria provided, single submitter. Criteria: GeneDx Variant Classification Process June 2021. Collection method: clinical testing. Allele origin: germline. Affected: yes.
Comment: Not observed at significant frequency in large population cohorts (gnomAD); In silico analysis supports that this missense variant has a deleterious effect on protein structure/function; Has not been previously published as pathogenic or benign to our knowledge

NM_001170629.2(CHD8):c.522T>A (p.His174Gln)

Gene: CHD8 (chromodomain helicase DNA binding protein 8; minus strand). Cytogenetic location: 14q11.2.
Variant type: single nucleotide variant.
Coding change: c.522T>A on transcript NM_001170629.2 (MANE Select); coding-DNA position 522, T replaced by A.
Protein change: p.His174Gln; replaces histidine 174 with glutamine.
Molecular consequence: missense variant. On other transcripts: intron variant (1).
Genome position (GRCh38, 1-based): chr14:21,431,122, A>T on the plus strand (T>A on the coding strand, the complement: CHD8 is on the minus strand). VCF-style: chr14-21431122-A-T. GRCh37 (hg19) VCF-style: chr14-21899281-A-T.
Other names: c.6+689T>A (NM_020920.4); short protein forms H174Q.
Identifiers: ClinVar variation 3343073 (VCV003343073.1).